The following is an entry in ClinVar:

NM_014871.6(PAN2):c.1661del (p.Phe554fs)

Gene: PAN2 (poly(A) specific ribonuclease subunit PAN2; minus strand). Cytogenetic location: 12q13.3.
Variant type: Deletion.
Coding change: c.1661del on transcript NM_014871.6 (MANE Select); coding-DNA position 1661, one base deleted (T; older notation c.1661delT).
Protein change: p.Phe554fs; shifts the reading frame from phenylalanine 554.
Molecular consequence: frameshift variant.
Genome position (GRCh38, 1-based): chr12:56,324,648, A deleted on the plus strand (T on the coding strand, the reverse complement: PAN2 is on the minus strand); the first of 2 consecutive A bases (chr12:56,324,648-56,324,649); deleting either gives the same sequence. VCF-style (leftmost placement, unchanged base first): chr12-56324647-GA-G. GRCh37 (hg19) VCF-style: chr12-56718431-GA-G.
Other names: c.1661del, p.Phe554fs (NM_001127460.4, NM_001166279.3, NM_001394699.1 and 8 more transcripts); c.1244del, p.Phe415fs (NM_001394708.1); short protein forms F415fs, F554fs.
Identifiers: ClinVar variation 3369427 (VCV003369427.1).
Genomic context (GRCh38, chr12:56,324,647, plus strand): 5'-AGGGTCACCACGAGAGAGGTCCAACATGTGAAACAGGAAGCCCAGCTCACATGCCAGACA[GA>G]ACTCCTTCTGGCAAAGGTGGTTTTGAATTAGACAGCGTACAGGCTCCAGGAAATAGAGCA-3'

ClinVar aggregate classification (germline): Uncertain significance (1 of 4 stars; one submission).

Submission:

GeneDx
Classification: Uncertain significance. Last evaluated: 2024-02-18. Review status: criteria provided, single submitter. Criteria: GeneDx Variant Classification Process June 2021. Collection method: clinical testing. Allele origin: germline. Affected: yes.
Comment: Not observed at significant frequency in large population cohorts (gnomAD); Frameshift variant predicted to result in protein truncation or nonsense mediated decay in a gene or region of a gene for which loss of function is not a well-established mechanism of disease; Has not been previously published as pathogenic or benign to our knowledge; Variants in candidate genes are classified as variants of uncertain significance in accordance with ACMG guidelines (PMID: 25741868)